The following is an entry in ClinVar:

NM_001407.3(CELSR3):c.934C>A (p.Arg312=)

Gene: CELSR3 (cadherin EGF LAG seven-pass G-type receptor 3; minus strand). Cytogenetic location: 3p21.31.
Variant type: single nucleotide variant.
Coding change: c.934C>A on transcript NM_001407.3 (MANE Select); coding-DNA position 934, C replaced by A.
Protein change: p.Arg312=; no amino-acid change (arginine 312 retained).
Molecular consequence: synonymous variant.
Genome position (GRCh38, 1-based): chr3:48,661,701, G>T on the plus strand (C>A on the coding strand, the complement: CELSR3 is on the minus strand). VCF-style: chr3-48661701-G-T. GRCh37 (hg19) VCF-style: chr3-48699134-G-T.
Identifiers: ClinVar variation 3037148 (VCV003037148.2), dbSNP rs76423828, ClinGen allele CA2385520.

ClinVar aggregate classification (germline): Benign (0 of 4 stars; one submission).

Conditions:
CELSR3-related disorder. Also called: CELSR3-related condition.

Allele frequency attached by ClinVar (database versions not stated): ESP Exome Variant Server 0.00404; 1000 Genomes Project 0.00579; 1000 Genomes Project 30x 0.00718.
gnomAD v4.1: 1,191 of 1,573,338 alleles (0.076%); highest among the groups gnomAD compares: African/African-American, 1.4%; 10 homozygotes.

Submission:

PreventionGenetics, part of Exact Sciences
Classification: Benign for CELSR3-related condition. Last evaluated: 2019-05-01. Review status: no assertion criteria provided. Collection method: clinical testing. Allele origin: germline.
Comment: This variant is classified as benign based on ACMG/AMP sequence variant interpretation guidelines (Richards et al. 2015 PMID: 25741868, with internal and published modifications).